The following is an entry in ClinVar:

ClinVar aggregate classification (germline): Uncertain significance (1 of 4 stars; one submission).

Submission:

Labcorp Genetics (formerly Invitae), Labcorp
Classification: Uncertain significance. Last evaluated: 2022-08-07. Review status: criteria provided, single submitter. Criteria: Invitae Variant Classification Sherloc (09022015). Collection method: clinical testing. Allele origin: germline.
Comment: This variant has not been reported in the literature in individuals affected with LRP2-related conditions. This variant is not present in population databases (gnomAD no frequency). This sequence change replaces histidine, which is basic and polar, with leucine, which is neutral and non-polar, at codon 2830 of the LRP2 protein (p.His2830Leu). In summary, the available evidence is currently insufficient to determine the role of this variant in disease. Therefore, it has been classified as a Variant of Uncertain Significance. Advanced modeling of protein sequence and biophysical properties (such as structural, functional, and spatial information, amino acid conservation, physicochemical variation, residue mobility, and thermodynamic stability) performed at Invitae indicates that this missense variant is not expected to disrupt LRP2 protein function.

NM_004525.3(LRP2):c.8489A>T (p.His2830Leu)

Gene: LRP2 (LDL receptor related protein 2; minus strand). Cytogenetic location: 2q31.1.
Variant type: single nucleotide variant.
Coding change: c.8489A>T on transcript NM_004525.3 (MANE Select); coding-DNA position 8489, A replaced by T.
Protein change: p.His2830Leu; replaces histidine 2830 with leucine.
Molecular consequence: missense variant.
Genome position (GRCh38, 1-based): chr2:169,198,875, T>A on the plus strand (A>T on the coding strand, the complement: LRP2 is on the minus strand). VCF-style: chr2-169198875-T-A. GRCh37 (hg19) VCF-style: chr2-170055385-T-A.
Other names: short protein forms H2830L.
Identifiers: ClinVar variation 1715623 (VCV001715623.5), dbSNP rs1247708430, ClinGen allele CA349163969.
Genomic context (GRCh38, chr2:169,198,875, plus strand): 5'-TCTCCACAGTCATTGTCTCCGTCACACAAATAAACGCGAGGAATACAAATATTTGAATTA[T>A]GACATTTTGTGTATCCAGACTGGCAAGTGCGATCAGCTTGAAAAAGACAACCAGATAAAT-3'
Protein context (NP_004516.2, residues 2820-2840): RTCQSGYTKC[His2830Leu]NSNICIPRVY